The following is an entry in ClinVar:

ClinVar aggregate classification (germline): Uncertain significance (1 of 4 stars; one submission).

Conditions:
Kabuki syndrome. Also called: Kabuki make-up syndrome; NIIKAWA-KUROKI SYNDROME. Identifiers: Orphanet 2322, MedGen C0796004, MONDO:0016512.

Allele frequency attached by ClinVar (database versions not stated): gnomAD exomes below 0.00001.
gnomAD v4.1: 2 of 1,605,608 alleles (0.00012%); highest among the groups gnomAD compares: South Asian, 0.0011%; no homozygotes.

Submission:

Labcorp Genetics (formerly Invitae), Labcorp
Classification: Uncertain significance for Kabuki syndrome. Last evaluated: 2023-03-15. Review status: criteria provided, single submitter. Criteria: Invitae Variant Classification Sherloc (09022015). Collection method: clinical testing. Allele origin: germline.
Comment: In summary, the available evidence is currently insufficient to determine the role of this variant in disease. Therefore, it has been classified as a Variant of Uncertain Significance. Advanced modeling of protein sequence and biophysical properties (such as structural, functional, and spatial information, amino acid conservation, physicochemical variation, residue mobility, and thermodynamic stability) has been performed at Invitae for this missense variant, however the output from this modeling did not meet the statistical confidence thresholds required to predict the impact of this variant on KMT2D protein function. This variant has not been reported in the literature in individuals affected with KMT2D-related conditions. This variant is not present in population databases (gnomAD no frequency). This sequence change replaces leucine, which is neutral and non-polar, with arginine, which is basic and polar, at codon 3641 of the KMT2D protein (p.Leu3641Arg).

NM_003482.4(KMT2D):c.10922T>G (p.Leu3641Arg)

Gene: KMT2D (lysine methyltransferase 2D; minus strand). Cytogenetic location: 12q13.12.
Variant type: single nucleotide variant.
Coding change: c.10922T>G on transcript NM_003482.4 (MANE Select); coding-DNA position 10922, T replaced by G.
Protein change: p.Leu3641Arg; replaces leucine 3641 with arginine.
Molecular consequence: missense variant.
Genome position (GRCh38, 1-based): chr12:49,033,783, A>C on the plus strand (T>G on the coding strand, the complement: KMT2D is on the minus strand). VCF-style: chr12-49033783-A-C. GRCh37 (hg19) VCF-style: chr12-49427566-A-C.
Other names: short protein forms L3641R.
Identifiers: ClinVar variation 2845134 (VCV002845134.3), dbSNP rs2498365972, ClinGen allele CA384724891.